The following is an entry in ClinVar:

NM_033641.4(COL4A6):c.1745T>C (p.Leu582Ser)

Gene: COL4A6 (collagen type IV alpha 6 chain; minus strand). Cytogenetic location: Xq22.3.
Variant type: single nucleotide variant.
Coding change: c.1745T>C on transcript NM_033641.4 (MANE Select); coding-DNA position 1745, T replaced by C.
Protein change: p.Leu582Ser; replaces leucine 582 with serine.
Molecular consequence: missense variant.
Genome position (GRCh38, 1-based): chrX:108,187,870, A>G on the plus strand (T>C on the coding strand, the complement: COL4A6 is on the minus strand). VCF-style: chrX-108187870-A-G. GRCh37 (hg19) VCF-style: chrX-107431100-A-G.
Other names: c.1745T>C, p.Leu582Ser (NM_001287758.2, NM_001287759.2, NM_001287760.2); c.1748T>C, p.Leu583Ser (NM_001847.4); short protein forms L582S, L583S.
Identifiers: ClinVar variation 3622703 (VCV003622703.2).

ClinVar aggregate classification (germline): Uncertain significance (1 of 4 stars; one submission).

gnomAD v4.1: 6 of 1,207,701 alleles (0.0005%); highest among the groups gnomAD compares: Non-Finnish European, 0.00067%; no homozygotes.

Submission:

Labcorp Genetics (formerly Invitae), Labcorp
Classification: Uncertain significance. Last evaluated: 2025-01-11. Review status: criteria provided, single submitter. Criteria: Invitae Variant Classification Sherloc (09022015). Collection method: clinical testing. Allele origin: germline.
Comment: This sequence change replaces leucine, which is neutral and non-polar, with serine, which is neutral and polar, at codon 583 of the COL4A6 protein (p.Leu583Ser). This variant is not present in population databases (gnomAD no frequency). This variant has not been reported in the literature in individuals affected with COL4A6-related conditions. Invitae Evidence Modeling of protein sequence and biophysical properties (such as structural, functional, and spatial information, amino acid conservation, physicochemical variation, residue mobility, and thermodynamic stability) indicates that this missense variant is not expected to disrupt COL4A6 protein function with a negative predictive value of 80%. In summary, the available evidence is currently insufficient to determine the role of this variant in disease. Therefore, it has been classified as a Variant of Uncertain Significance.